The following is an entry in ClinVar:

ClinVar aggregate classification (germline): Likely pathogenic (1 of 4 stars; one submission).

Conditions:
NIPBL-related disorder. Also called: NIPBL-related condition.

Submission:

PreventionGenetics, part of Exact Sciences
Classification: Likely pathogenic for NIPBL-related condition. Last evaluated: 2022-11-07. Review status: criteria provided, single submitter. Criteria: ACMG Guidelines, 2015. Collection method: clinical testing. Allele origin: germline.
Comment: The NIPBL c.1222C>T variant is predicted to result in premature protein termination (p.Gln408*). To our knowledge, this variant has not been reported in the literature or in a large population database, indicating this variant is rare. Nonsense variants in NIPBL are expected to be pathogenic. This variant is interpreted as likely pathogenic.

NM_133433.4(NIPBL):c.1222C>T (p.Gln408Ter)

Gene: NIPBL (NIPBL cohesin loading factor; plus strand). Cytogenetic location: 5p13.2.
Variant type: single nucleotide variant.
Coding change: c.1222C>T on transcript NM_133433.4 (MANE Select); coding-DNA position 1222, C replaced by T.
Protein change: p.Gln408Ter; replaces glutamine 408 with a stop codon.
Molecular consequence: nonsense.
Genome position (GRCh38, 1-based): chr5:36,976,129, C>T. VCF-style: chr5-36976129-C-T. GRCh37 (hg19) VCF-style: chr5-36976231-C-T.
Other names: c.1222C>T, p.Gln408Ter (NM_015384.5); short protein forms Q408*.
Identifiers: ClinVar variation 2635529 (VCV002635529.1), dbSNP rs2479126277, ClinGen allele CA359485946.
Genomic context (GRCh38, chr5:36,976,129, plus strand): 5'-AATGATATTCCTTTTAATGTGCAGTACCCAGGACAGACTTCAAAAACACCCATTACTCCA[C>T]AAGATATAAACCGCCCACTAAATGCTGCTCAATGTTTGTCGCAGCAAGAACAAACAGCAT-3'